The following is an entry in ClinVar:

ClinVar aggregate classification (germline): Uncertain significance. Review status: criteria provided, multiple submitters, no conflicts (2 of 4 stars). 2 submissions from 2 submitters: Uncertain significance (2). Last evaluated 2024-10-16.

Allele frequency attached by ClinVar (database versions not stated): ExAC 0.00003; gnomAD exomes 0.00003 and 0.00004; TOPMed 0.00004; gnomAD 0.00005 and 0.00006; ESP Exome Variant Server 0.00008.
gnomAD v4.1: 68 of 1,608,662 alleles (0.0042%); highest among the groups gnomAD compares: Non-Finnish European, 0.0057%; no homozygotes.

Submissions (2):

Blueprint Genetics
Classification: Uncertain significance. Last evaluated: 2024-10-16. Review status: criteria provided, single submitter. Criteria: ACMG Guidelines, 2015. Collection method: clinical testing. Allele origin: germline.

Labcorp Genetics (formerly Invitae), Labcorp
Classification: Uncertain significance. Last evaluated: 2022-10-17. Review status: criteria provided, single submitter. Criteria: Invitae Variant Classification Sherloc (09022015). Collection method: clinical testing. Allele origin: germline.
Comment: This sequence change replaces aspartic acid, which is acidic and polar, with asparagine, which is neutral and polar, at codon 199 of the CDHR1 protein (p.Asp199Asn). This variant is present in population databases (rs199671784, gnomAD 0.004%). This variant has not been reported in the literature in individuals affected with CDHR1-related conditions. ClinVar contains an entry for this variant (Variation ID: 1407625). Advanced modeling of protein sequence and biophysical properties (such as structural, functional, and spatial information, amino acid conservation, physicochemical variation, residue mobility, and thermodynamic stability) performed at Invitae indicates that this missense variant is not expected to disrupt CDHR1 protein function. In summary, the available evidence is currently insufficient to determine the role of this variant in disease. Therefore, it has been classified as a Variant of Uncertain Significance.

NM_033100.4(CDHR1):c.595G>A (p.Asp199Asn)

Gene: CDHR1 (cadherin related family member 1; plus strand). Cytogenetic location: 10q23.1.
Variant type: single nucleotide variant.
Coding change: c.595G>A on transcript NM_033100.4 (MANE Select); coding-DNA position 595, G replaced by A.
Protein change: p.Asp199Asn; replaces aspartic acid 199 with asparagine.
Molecular consequence: missense variant.
Genome position (GRCh38, 1-based): chr10:84,201,876, G>A. VCF-style: chr10-84201876-G-A. GRCh37 (hg19) VCF-style: chr10-85961632-G-A.
Other names: c.595G>A, p.Asp199Asn (NM_001171971.3); short protein forms D199N.
Identifiers: ClinVar variation 1407625 (VCV001407625.6), dbSNP rs199671784, ClinGen allele CA5579598.